The following is an entry in ClinVar:

NM_000264.5(PTCH1):c.1369A>G (p.Met457Val)

Gene: PTCH1 (patched 1; minus strand). Cytogenetic location: 9q22.32.
Variant type: single nucleotide variant.
Coding change: c.1369A>G on transcript NM_000264.5 (MANE Select); coding-DNA position 1369, A replaced by G.
Protein change: p.Met457Val; replaces methionine 457 with valine.
Molecular consequence: missense variant. On other transcripts: non-coding transcript variant (1), intron variant (1).
Genome position (GRCh38, 1-based): chr9:95,477,681, T>C on the plus strand (A>G on the coding strand, the complement: PTCH1 is on the minus strand). VCF-style: chr9-95477681-T-C. GRCh37 (hg19) VCF-style: chr9-98239963-T-C.
Other names: c.1171A>G, p.Met391Val (NM_001083602.3); c.1366A>G, p.Met456Val (NM_001083603.3); c.916A>G, p.Met306Val (NM_001083604.3, NM_001083605.3, NM_001083606.3 and 1 more transcripts); c.1347+374A>G (NM_001354918.2); short protein forms M456V, M457V, M391V, M306V.
Identifiers: ClinVar variation 3939964 (VCV003939964.1).

ClinVar aggregate classification (germline): Uncertain significance (1 of 4 stars; one submission).

Conditions:
Hereditary cancer-predisposing syndrome. Also called: Tumor predisposition; Hereditary neoplastic syndrome; Hereditary Cancer Syndrome; Neoplastic Syndromes, Hereditary. Identifiers: Orphanet 140162, MedGen C0027672, MeSH D009386, MONDO:0015356.

Submission:

Ambry Genetics
Classification: Uncertain significance for Hereditary cancer-predisposing syndrome. Last evaluated: 2025-05-03. Review status: criteria provided, single submitter. Criteria: Ambry Variant Classification Scheme 2023. Collection method: clinical testing. Allele origin: germline.
Comment: The p.M457V variant (also known as c.1369A>G), located in coding exon 10 of the PTCH1 gene, results from an A to G substitution at nucleotide position 1369. The methionine at codon 457 is replaced by valine, an amino acid with highly similar properties. This amino acid position is conserved. In addition, this alteration is predicted to be deleterious by in silico analysis. Based on the available evidence, the clinical significance of this variant remains unclear.